The following is an entry in ClinVar:

ClinVar aggregate classification (germline): Uncertain significance (1 of 4 stars; one submission).

Submission:

GeneDx
Classification: Uncertain significance. Last evaluated: 2024-02-08. Review status: criteria provided, single submitter. Criteria: GeneDx Variant Classification Process June 2021. Collection method: clinical testing. Allele origin: germline. Affected: yes.
Comment: Not observed at significant frequency in large population cohorts (gnomAD); In silico analysis supports that this missense variant has a deleterious effect on protein structure/function; Has not been previously published as pathogenic or benign to our knowledge

NM_000171.4(GLRA1):c.295C>T (p.Pro99Ser)

Gene: GLRA1 (glycine receptor alpha 1; minus strand). Cytogenetic location: 5q33.1.
Variant type: single nucleotide variant.
Coding change: c.295C>T on transcript NM_000171.4 (MANE Select); coding-DNA position 295, C replaced by T.
Protein change: p.Pro99Ser; replaces proline 99 with serine.
Molecular consequence: missense variant.
Genome position (GRCh38, 1-based): chr5:151,859,966, G>A on the plus strand (C>T on the coding strand, the complement: GLRA1 is on the minus strand). VCF-style: chr5-151859966-G-A. GRCh37 (hg19) VCF-style: chr5-151239527-G-A.
Other names: c.295C>T, p.Pro99Ser (NM_001146040.2); c.46C>T, p.Pro16Ser (NM_001292000.2); short protein forms P16S, P99S.
Identifiers: ClinVar variation 3368833 (VCV003368833.1).